The following is an entry in ClinVar:

NM_001256012.3(MYH10):c.5348T>C (p.Met1783Thr)

Gene: MYH10 (myosin heavy chain 10; minus strand). Cytogenetic location: 17p13.1.
Variant type: single nucleotide variant.
Coding change: c.5348T>C on transcript NM_001256012.3 (MANE Select); coding-DNA position 5348, T replaced by C.
Protein change: p.Met1783Thr; replaces methionine 1783 with threonine.
Molecular consequence: missense variant.
Genome position (GRCh38, 1-based): chr17:8,480,442, A>G on the plus strand (T>C on the coding strand, the complement: MYH10 is on the minus strand). VCF-style: chr17-8480442-A-G. GRCh37 (hg19) VCF-style: chr17-8383760-A-G.
Other names: c.5255T>C (NM_005964.1); c.5282T>C, p.Met1761Thr (NM_001256095.2); c.5285T>C, p.Met1762Thr (NM_001375266.1); c.5255T>C, p.Met1752Thr (NM_005964.5); short protein forms M1752T, M1761T, M1762T, M1783T.
Identifiers: ClinVar variation 3370992 (VCV003370992.2).

ClinVar aggregate classification (germline): Uncertain significance. Review status: criteria provided, multiple submitters, no conflicts (2 of 4 stars). 2 submissions from 2 submitters: Uncertain significance (2). Last evaluated 2024-08-21.

Conditions:
Inborn genetic diseases. Identifiers: MedGen C0950123, MeSH D030342.

Submissions (2):

Ambry Genetics
Classification: Uncertain significance for Inborn genetic diseases. Last evaluated: 2024-08-21. Review status: criteria provided, single submitter. Criteria: Ambry Variant Classification Scheme 2023. Collection method: clinical testing. Allele origin: germline.

GeneDx
Classification: Uncertain significance. Last evaluated: 2024-03-13. Review status: criteria provided, single submitter. Criteria: GeneDx Variant Classification Process June 2021. Collection method: clinical testing. Allele origin: germline. Affected: yes.
Comment: Not observed at significant frequency in large population cohorts (gnomAD); In silico analysis supports that this missense variant does not alter protein structure/function; Has not been previously published as pathogenic or benign to our knowledge